The following is an entry in ClinVar:

NM_012469.4(PRPF6):c.2597G>A (p.Arg866His)

Gene: PRPF6 (pre-mRNA processing factor 6; plus strand). Cytogenetic location: 20q13.33.
Variant type: single nucleotide variant.
Coding change: c.2597G>A on transcript NM_012469.4 (MANE Select); coding-DNA position 2597, G replaced by A.
Protein change: p.Arg866His; replaces arginine 866 with histidine.
Molecular consequence: missense variant.
Genome position (GRCh38, 1-based): chr20:64,031,968, G>A. VCF-style: chr20-64031968-G-A. GRCh37 (hg19) VCF-style: chr20-62663321-G-A.
Other names: short protein forms R866H.
Identifiers: ClinVar variation 4538781 (VCV004538781.1).

ClinVar aggregate classification (germline): Uncertain significance (1 of 4 stars; one submission).

gnomAD v4.1: 2 of 1,614,172 alleles (0.00012%); highest among the groups gnomAD compares: Non-Finnish European, 0.00017%; no homozygotes.

Submission:

GeneDx
Classification: Uncertain significance. Last evaluated: 2025-06-20. Review status: criteria provided, single submitter. Criteria: GeneDx Variant Classification Process June 2021. Collection method: clinical testing. Allele origin: germline. Affected: yes.
Comment: In silico analysis supports that this missense variant has a deleterious effect on protein structure/function; Has not been previously published as pathogenic or benign to our knowledge